The following is an entry in ClinVar:

NM_015102.5(NPHP4):c.3231+5G>A

Gene: NPHP4 (nephrocystin 4; minus strand). Cytogenetic location: 1p36.31.
Variant type: single nucleotide variant.
Coding change: c.3231+5G>A on transcript NM_015102.5 (MANE Select); 5 bases into the intron after coding-DNA position 3231, G replaced by A.
Molecular consequence: intron variant.
Genome position (GRCh38, 1-based): chr1:5,874,466, C>T on the plus strand (G>A on the coding strand, the complement: NPHP4 is on the minus strand). VCF-style: chr1-5874466-C-T. GRCh37 (hg19) VCF-style: chr1-5934526-C-T.
Other names: c.1695+5G>A (NM_001291594.2); c.1692+5G>A (NM_001291593.2).
Identifiers: ClinVar variation 297795 (VCV000297795.19), dbSNP rs886046460, ClinGen allele CA10611454.

ClinVar aggregate classification (germline): Uncertain significance. Review status: criteria provided, multiple submitters, no conflicts (2 of 4 stars). 8 submissions from 7 submitters: Uncertain significance (7). 1 of the submissions does not count toward it. Last evaluated 2024-12-02.

Conditions:
Nephronophthisis 4 (NPHP4). Also called: NEPHRONOPHTHISIS 4, JUVENILE. Identifiers: Orphanet 655, MedGen C1847013, MONDO:0011752, OMIM 606966.
Senior-Loken syndrome 4 (SLSN4). Identifiers: Orphanet 3156, MedGen C1846979, MONDO:0011756, OMIM 606996.
NPHP4-related disorder. Also called: NPHP4-related disorders; NPHP4-related condition. Identifiers: MedGen CN239384.
Nephronophthisis. Also called: Juvenile Nephronophthisis. Identifiers: Orphanet 655, MedGen C0687120, MONDO:0019005, HP:0000090.

Allele frequency attached by ClinVar (database versions not stated): gnomAD 0.00003 and 0.00004; gnomAD exomes 0.00004; TOPMed 0.00010.
gnomAD v4.1: 89 of 1,522,440 alleles (0.0058%); highest among the groups gnomAD compares: Admixed American, 0.0088%; no homozygotes.

Submissions (8):

Labcorp Genetics (formerly Invitae), Labcorp
Classification: Uncertain significance for Nephronophthisis. Last evaluated: 2024-12-02. Review status: criteria provided, single submitter. Criteria: Invitae Variant Classification Sherloc (09022015). Collection method: clinical testing. Allele origin: germline.
Comment: This sequence change falls in intron 22 of the NPHP4 gene. It does not directly change the encoded amino acid sequence of the NPHP4 protein. It affects a nucleotide within the consensus splice site. The frequency data for this variant in the population databases is considered unreliable, as metrics indicate poor data quality at this position in the gnomAD database. This variant has not been reported in the literature in individuals affected with NPHP4-related conditions. ClinVar contains an entry for this variant (Variation ID: 297795). Variants that disrupt the consensus splice site are a relatively common cause of aberrant splicing (PMID: 17576681, 9536098). Algorithms developed to predict the effect of sequence changes on RNA splicing suggest that this variant may disrupt the consensus splice site. In summary, the available evidence is currently insufficient to determine the role of this variant in disease. Therefore, it has been classified as a Variant of Uncertain Significance.

Blueprint Genetics
Classification: Uncertain significance. Last evaluated: 2024-05-02. Review status: criteria provided, single submitter. Criteria: ACMG Guidelines, 2015. Collection method: clinical testing. Allele origin: germline.

Fulgent Genetics
Classification: Uncertain significance for Nephronophthisis 4; Senior-Loken syndrome 4. Last evaluated: 2024-03-28. Review status: criteria provided, single submitter. Criteria: ACMG Guidelines, 2015. Collection method: clinical testing. Allele origin: germline.

AiLife Diagnostics
Classification: Uncertain significance. Last evaluated: 2020-07-24. Review status: criteria provided, single submitter. Criteria: ACMG Guidelines, 2015. Collection method: clinical testing. Allele origin: germline. Affected: yes. Observed: 1 variant allele.

Illumina Laboratory Services, Illumina
Classification: Uncertain significance for Senior-Loken syndrome 4. Last evaluated: 2018-01-13. Review status: criteria provided, single submitter. Criteria: ICSL Variant Classification Criteria 13 December 2019. Collection method: clinical testing. Allele origin: germline.

Illumina Laboratory Services, Illumina
Classification: Uncertain significance for Nephronophthisis 4. Last evaluated: 2018-01-13. Review status: criteria provided, single submitter. Criteria: ICSL Variant Classification Criteria 13 December 2019. Collection method: clinical testing. Allele origin: germline.

Eurofins Ntd Llc (ga)
Classification: Uncertain significance. Last evaluated: 2017-09-08. Review status: criteria provided, single submitter. Criteria: EGL Classification Definitions 2015. Collection method: clinical testing. Allele origin: germline. Observed: 1 variant allele, 1 heterozygote.

PreventionGenetics, part of Exact Sciences
Classification: Uncertain significance for NPHP4-related condition. Last evaluated: 2024-09-15. Review status: no assertion criteria provided. Collection method: clinical testing. Allele origin: germline. Not counted in ClinVar's aggregate classification.
Comment: The NPHP4 c.3231+5G>A variant is predicted to interfere with splicing. To our knowledge, this variant has not been reported in the literature. This variant is reported in 0.014% of alleles in individuals of Ashkenazi Jewish descent in gnomAD. At this time, the clinical significance of this variant is uncertain due to the absence of conclusive functional and genetic evidence.

Literature cited by the submitters: PubMed 17576681 (cited by Labcorp Genetics (formerly Invitae), Labcorp); PubMed 9536098 (cited by Labcorp Genetics (formerly Invitae), Labcorp).